The following is an entry in ClinVar:

NM_004360.5(CDH1):c.1136C>T (p.Thr379Met)

Gene: CDH1 (cadherin 1; plus strand). Cytogenetic location: 16q22.1.
Variant type: single nucleotide variant.
Coding change: c.1136C>T on transcript NM_004360.5 (MANE Select); coding-DNA position 1136, C replaced by T.
Protein change: p.Thr379Met; replaces threonine 379 with methionine.
Molecular consequence: missense variant. On other transcripts: 5 prime UTR variant (2).
Genome position (GRCh38, 1-based): chr16:68,812,262, C>T. VCF-style: chr16-68812262-C-T. GRCh37 (hg19) VCF-style: chr16-68846165-C-T.
Other names: NM_001317186.2:c.-684C>T; c.1136C>T, p.Thr379Met (NM_001317184.2); c.-480C>T (NM_001317185.2); c.-684C>T (NM_001317186.2); short protein forms T379M.
Identifiers: ClinVar variation 142968 (VCV000142968.35), dbSNP rs587782856, ClinGen allele CA169895.

ClinVar aggregate classification (germline): Likely benign. Review status: reviewed by expert panel (3 of 4 stars). 13 submissions from 13 submitters: Likely benign (1). 12 of the submissions do not count toward it. Last evaluated 2023-08-03.

Conditions:
CDH1-related diffuse gastric and lobular breast cancer syndrome. Also called: CDH1-related diffuse gastric and lobular breast cancer. Identifiers: MedGen CN311521, MONDO:0100488.
Endometrial carcinoma. Also called: Endometrial carcinoma, somatic. Identifiers: MedGen C0476089, MONDO:0002447, OMIM 608089, HP:0012114.
Ovarian cancer. Also called: OVARIAN CANCER, SOMATIC. Identifiers: Orphanet 213500, MedGen C1140680, MONDO:0008170, OMIM 167000.
Hereditary diffuse gastric adenocarcinoma (HDGC). Also called: DIFFUSE GASTRIC AND LOBULAR BREAST CANCER SYNDROME. Identifiers: Orphanet 26106, MedGen C1708349, MONDO:0007648, OMIM 137215.
Familial cancer of breast. Also called: BREAST CANCER, FAMILIAL; Hereditary breast cancer; hereditary breast carcinoma. Identifiers: Orphanet 227535, MedGen C0346153, MONDO:0016419, OMIM 114480. Disease mechanism: loss of function.
Blepharocheilodontic syndrome 1 (BCDS1). Identifiers: Orphanet 1997, MedGen C4551988, MONDO:0054740, OMIM 119580.
Hereditary cancer-predisposing syndrome. Also called: Neoplastic Syndromes, Hereditary; Hereditary Cancer Syndrome; Tumor predisposition; Hereditary neoplastic syndrome. Identifiers: Orphanet 140162, MedGen C0027672, MeSH D009386, MONDO:0015356.

Allele frequency attached by ClinVar (database versions not stated): gnomAD 0.00001; TOPMed 0.00001; gnomAD exomes 0.00002; ExAC 0.00002.

Submissions (13):

Clingen Gastric Cancer Variant Curation Expert Panel
Classification: Likely benign for CDH1-related diffuse gastric and lobular breast cancer syndrome. Last evaluated: 2023-08-03. Review status: reviewed by expert panel. Criteria: ClinGen CDH1 ACMG Specifications V3.1. Collection method: curation. Allele origin: germline. Inheritance: Autosomal dominant inheritance.
Comment: The c.1136C>T (p.Thr379Met) variant results in a conservative missense change in the Cadherin 3 domain of CDH1. This variant was observed in 2 of 152,226 alleles in the gnomAD population database. However, this variants has also been observed in more than 10 individuals without GC, DGC, gastric SRC tumours or LBC and whose families do not suggest HDGC (BS2). In summary, this variant meets criteria to be classified as Likely Benign based on the ACMG/AMP criteria applied as specified by the CDH1 Variant Curation Expert Panel: BS2. (CDH1 VCEP specifications version 3.1; 05/22/2023)

Labcorp Genetics (formerly Invitae), Labcorp
Classification: Benign for Hereditary diffuse gastric adenocarcinoma. Last evaluated: 2025-12-24. Review status: criteria provided, single submitter. Criteria: Invitae Variant Classification Sherloc (09022015). Collection method: clinical testing. Allele origin: germline. Not counted in ClinVar's aggregate classification.

Dasa
Classification: Likely benign. Last evaluated: 2025-12-22. Review status: criteria provided, single submitter. Criteria: DASA Assertion Criteria. Collection method: clinical testing. Allele origin: germline. Not counted in ClinVar's aggregate classification.
Comment: NM_004360.5(CDH1):c.1136C>T (p.Thr379Met) is a missense variant that results in the substitution of threonine with methionine. Observations in unaffected individuals support a benign interpretation. Computational prediction algorithms are consistent with a benign effect. Therefore, based on the currently available evidence, this variant is classified as likely benign.

Department of Pathology and Laboratory Medicine, Sinai Health System
Classification: Likely benign for Hereditary diffuse gastric adenocarcinoma. Last evaluated: 2024-05-15. Review status: criteria provided, single submitter. Criteria: ACMG Guidelines, 2015. Collection method: clinical testing. Allele origin: germline. Affected: yes. Not counted in ClinVar's aggregate classification.

ARUP Laboratories, Molecular Genetics and Genomics, ARUP Laboratories
Classification: Uncertain significance. Last evaluated: 2024-01-22. Review status: criteria provided, single submitter. Criteria: ARUP Molecular Germline Variant Investigation Process 2024. Collection method: clinical testing. Allele origin: germline. Not counted in ClinVar's aggregate classification.
Comment: The CDH1 c.1136C>T; p.Thr379Met variant (rs587782856) is reported in the literature in individuals affected with cancer (Garcia-Pelaez 2023, Guindalini 2022). This variant is reported in ClinVar (Variation ID: 142968), and is found in the general population with an overall allele frequency of 0.002% (4/251,460 alleles) in the Genome Aggregation Database. Computational analyses predict that this variant is neutral (REVEL: 0.03). Due to limited information, the clinical significance of this variant is uncertain at this time. References: Garcia-Pelaez J et al. Genotype-first approach to identify associations between CDH1 germline variants and cancer phenotypes: a multicentre study by the European Reference Network on Genetic Tumour Risk Syndromes. Lancet Oncol. 2023 Jan;24(1):91-106. PMID: 36436516. Guindalini RSC et al. Detection of germline variants in Brazilian breast cancer patients using multigene panel testing. Sci Rep. 2022 Mar 9;12(1):4190. PMID: 35264596.

Color Diagnostics, LLC DBA Color Health
Classification: Likely benign for Hereditary cancer-predisposing syndrome. Last evaluated: 2024-01-05. Review status: criteria provided, single submitter. Criteria: ACMG Guidelines, 2015. Collection method: clinical testing. Allele origin: germline. Not counted in ClinVar's aggregate classification.

Fulgent Genetics
Classification: Uncertain significance for Familial cancer of breast; Blepharocheilodontic syndrome 1; Hereditary diffuse gastric adenocarcinoma; Ovarian cancer; Endometrial carcinoma. Last evaluated: 2023-12-28. Review status: criteria provided, single submitter. Criteria: ACMG Guidelines, 2015. Collection method: clinical testing. Allele origin: germline. Not counted in ClinVar's aggregate classification.

Myriad Genetics, Inc.
Classification: Uncertain significance for Hereditary diffuse gastric adenocarcinoma. Last evaluated: 2023-03-06. Review status: criteria provided, single submitter. Criteria: Myriad Autosomal Dominant, Autosomal Recessive and X-Linked Classification Criteria (2023). Collection method: clinical testing. Allele origin: unknown. Not counted in ClinVar's aggregate classification.
Comment: This variant is classified as a variant of uncertain significance as there is insufficient evidence to determine its impact on protein function and/or cancer risk.

GeneDx
Classification: Uncertain significance. Last evaluated: 2022-12-02. Review status: criteria provided, single submitter. Criteria: GeneDx Variant Classification Process June 2021. Collection method: clinical testing. Allele origin: germline. Affected: yes. Not counted in ClinVar's aggregate classification.
Comment: Not observed at significant frequency in large population cohorts (gnomAD); In silico analysis, which includes protein predictors and evolutionary conservation, supports a deleterious effect; Has not been previously published as pathogenic or benign to our knowledge; This variant is associated with the following publications: (PMID: 30836094, 30766968, 31871109, 15235021, 22850631)

European Reference Network on Genetic Tumour Risk Syndromes (ERN-GENTURIS), i3s - Instituto de Investigação e Inovação em Saúde, University of Porto
Classification: Uncertain significance for Hereditary diffuse gastric adenocarcinoma. Last evaluated: 2022-08-01. Review status: criteria provided, single submitter. Criteria: Lee et al. (Hum Mutat. 2018). Collection method: clinical testing. Allele origin: germline. Inheritance: Autosomal dominant inheritance. Affected: no. Study: ERN GENTURIS. Not counted in ClinVar's aggregate classification.
Comment: PM2 (PMID: 30311375)

Ambry Genetics
Classification: Likely benign for Hereditary cancer-predisposing syndrome. Last evaluated: 2021-02-16. Review status: criteria provided, single submitter. Criteria: Ambry Variant Classification Scheme 2023. Collection method: clinical testing. Allele origin: germline. Not counted in ClinVar's aggregate classification.

Mendelics
Classification: Uncertain significance for Hereditary diffuse gastric cancer. Last evaluated: 2018-07-02. Review status: criteria provided, single submitter. Criteria: Mendelics Assertion Criteria 2017. Collection method: clinical testing. Allele origin: unknown. Not counted in ClinVar's aggregate classification.

Counsyl
Classification: Uncertain significance for Hereditary diffuse gastric adenocarcinoma. Last evaluated: 2016-06-14. Review status: no assertion criteria provided. Collection method: clinical testing. Allele origin: unknown. Not counted in ClinVar's aggregate classification.

Literature cited by the submitters: PubMed 35264596 (cited by Department of Pathology and Laboratory Medicine, Sinai Health System); PubMed 31871109 (cited by Department of Pathology and Laboratory Medicine, Sinai Health System and Ambry Genetics); PubMed 36436516 (cited by Department of Pathology and Laboratory Medicine, Sinai Health System and European Reference Network on Genetic Tumour Risk Syndromes (ERN-GENTURIS), i3s - Instituto de Investigação e Inovação em Saúde, University of Porto).